The following is an entry in ClinVar:

ClinVar aggregate classification (germline): Conflicting classifications of pathogenicity. Review status: criteria provided, conflicting classifications (1 of 4 stars). 2 submissions from 2 submitters: Uncertain significance (1); Benign (1). Last evaluated 2022-03-18.

Conditions:
Diabetes insipidus, nephrogenic, X-linked. Also called: Nephrogenic Diabetes Insipidus, Type I. Identifiers: Orphanet 223, MedGen C1563705, MONDO:0010581, OMIM 304800.

Allele frequency attached by ClinVar (database versions not stated): ExAC 0.00009; gnomAD exomes 0.00011 and 0.00015; gnomAD 0.00020 and 0.00022; TOPMed 0.00031.

Submissions (2):

Labcorp Genetics (formerly Invitae), Labcorp
Classification: Uncertain significance. Last evaluated: 2022-03-18. Review status: criteria provided, single submitter. Criteria: Invitae Variant Classification Sherloc (09022015). Collection method: clinical testing. Allele origin: germline.
Comment: This sequence change replaces arginine, which is basic and polar, with cysteine, which is neutral and slightly polar, at codon 248 of the AVPR2 protein (p.Arg248Cys). This variant is present in population databases (rs782516523, gnomAD 0.02%). This variant has not been reported in the literature in individuals affected with AVPR2-related conditions. ClinVar contains an entry for this variant (Variation ID: 914118). Advanced modeling of protein sequence and biophysical properties (such as structural, functional, and spatial information, amino acid conservation, physicochemical variation, residue mobility, and thermodynamic stability) performed at Invitae indicates that this missense variant is not expected to disrupt AVPR2 protein function. In summary, the available evidence is currently insufficient to determine the role of this variant in disease. Therefore, it has been classified as a Variant of Uncertain Significance.

Illumina Laboratory Services, Illumina
Classification: Benign for Diabetes insipidus, nephrogenic, X-linked. Last evaluated: 2017-04-27. Review status: criteria provided, single submitter. Criteria: ICSL Variant Classification Criteria 13 December 2019. Collection method: clinical testing. Allele origin: germline.
Comment: This variant was observed as part of a predisposition screen in an ostensibly healthy population. A literature search was performed for the gene, cDNA change, and amino acid change (where applicable). No publications were found based on this search. Allele frequency data from public databases was too high to be consistent with this variant causing disease. Therefore, this variant is classified as benign.

NM_000054.7(AVPR2):c.742C>T (p.Arg248Cys)

Gene: AVPR2 (arginine vasopressin receptor 2; plus strand). Cytogenetic location: Xq28.
Variant type: single nucleotide variant.
Coding change: c.742C>T on transcript NM_000054.7 (MANE Select); coding-DNA position 742, C replaced by T.
Protein change: p.Arg248Cys; replaces arginine 248 with cysteine.
Molecular consequence: missense variant. On other transcripts: non-coding transcript variant (1).
Genome position (GRCh38, 1-based): chrX:153,906,248, C>T. VCF-style: chrX-153906248-C-T. GRCh37 (hg19) VCF-style: chrX-153171702-C-T.
Other names: c.742C>T, p.Arg248Cys (NM_001146151.3); short protein forms R248C.
Identifiers: ClinVar variation 914118 (VCV000914118.5), dbSNP rs782516523, ClinGen allele CA10555058.